The following is an entry in ClinVar:

NM_006147.4(IRF6):c.202C>T (p.Gln68Ter)

Gene: IRF6 (interferon regulatory factor 6; minus strand). Cytogenetic location: 1q32.2.
Variant type: single nucleotide variant.
Coding change: c.202C>T on transcript NM_006147.4 (MANE Select); coding-DNA position 202, C replaced by T.
Protein change: p.Gln68Ter; replaces glutamine 68 with a stop codon.
Molecular consequence: nonsense. On other transcripts: 5 prime UTR variant (1).
Genome position (GRCh38, 1-based): chr1:209,796,525, G>A on the plus strand (C>T on the coding strand, the complement: IRF6 is on the minus strand). VCF-style: chr1-209796525-G-A. GRCh37 (hg19) VCF-style: chr1-209969870-G-A.
Other names: c.-84C>T (NM_001206696.2); short protein forms Q68*.
Identifiers: ClinVar variation 4294472 (VCV004294472.1).

ClinVar aggregate classification (germline): Likely pathogenic (1 of 4 stars; one submission).

Conditions:
Van der Woude syndrome 1. Also called: CLEFT LIP AND/OR PALATE WITH MUCOUS CYSTS OF LOWER LIP; van der Woude Syndrome (VWS). Identifiers: MedGen C4551864, MONDO:0007333, OMIM 119300.

Submission:

Molecular Genetics Department, Kulakov National Medical Research Center for Obstetrics, Gynecology and Perinatology
Classification: Likely pathogenic for Van der Woude syndrome 1. Review status: criteria provided, single submitter. Criteria: ACMG Guidelines, 2015. Collection method: clinical testing. Allele origin: germline. Affected: yes. Observed: 1 variant allele.
Comment: A previously undescribed heterozygous nucleotide variant creates a premature translation stop signal p.Gln68Ter in the IRF6 gene. Heterozygous variants leading to loss of full-length protein are reported in patients with van der Woude syndrome 1, 119300. The variant is not present in population database (gnomAD no frequency). In summary, the currently available evidence indicates that the variant is pathogenic, but additional data are needed to prove that conclusively. Therefore, this variant has been classified as likely pathogenic.